The following is an entry in ClinVar:

NM_000053.4(ATP7B):c.-74C>A

Gene: ATP7B (ATPase copper transporting beta; minus strand). Cytogenetic location: 13q14.3.
Variant type: single nucleotide variant.
Coding change: c.-74C>A on transcript NM_000053.4 (MANE Select); 74 bases upstream of the start codon, C replaced by A.
Molecular consequence: 5 prime UTR variant.
Genome position (GRCh38, 1-based): chr13:52,011,411, G>T on the plus strand (C>A on the coding strand, the complement: ATP7B is on the minus strand). VCF-style: chr13-52011411-G-T. GRCh37 (hg19) VCF-style: chr13-52585547-G-T.
Other names: c.-74C>A (NM_001005918.3, NM_001243182.2, NM_001330578.2 and 1 more transcripts).
Identifiers: ClinVar variation 35700 (VCV000035700.3), dbSNP rs193922101, ClinGen allele CA260128.
Genomic context (GRCh38, chr13:52,011,411, plus strand): 5'-CACCGAATTCTTCTCTGATCTGGCTCAGAGCAAAAGGTCACCTGGTCGGTGGAGGAGAGC[G>T]GGGTGTTAAAGTCCCGGGAGAGGAGGCGCAGAGTGTGAGGGCATCGGCGCGGCTCGGCTC-3'

ClinVar aggregate classification (germline): Uncertain significance (1 of 4 stars; one submission).

Conditions:
Wilson disease (WND). Also called: Wilson's disease. Identifiers: Orphanet 905, MedGen C0019202, MONDO:0010200, OMIM 277900. Disease mechanism: loss of function.

Submission:

Women's Health and Genetics/Laboratory Corporation of America, LabCorp
Classification: Uncertain significance for Wilson Disease. Last evaluated: 2011-08-18. Review status: criteria provided, single submitter. Criteria: LabCorp Variant Classification Summary - May 2015. Collection method: curation. Allele origin: germline. Inheritance: autosomal unknown. Affected: yes.
ClinVar note: Converted during submission from uncertain to Uncertain significance.